The following continues an entry in ClinVar:

NM_000104.4(CYP1B1):c.1103G>A (p.Arg368His)

Gene: CYP1B1. ClinVar aggregate classification (germline): Uncertain significance. Uncertain significance (1).

Submissions 6 to 16 of 31:

Labcorp Genetics (formerly Invitae), Labcorp
Classification: Pathogenic for Congenital glaucoma. Last evaluated: 2026-02-04. Review status: criteria provided, single submitter. Criteria: Invitae Variant Classification Sherloc (09022015). Collection method: clinical testing. Allele origin: germline. Not counted in ClinVar's aggregate classification.
Comment: This sequence change replaces arginine, which is basic and polar, with histidine, which is basic and polar, at codon 368 of the CYP1B1 protein (p.Arg368His). This variant is present in population databases (rs79204362, gnomAD 3%), including at least one homozygous and/or hemizygous individual. This missense change has been observed in individual(s) with glaucoma (PMID: 10655546, 11980847, 15037581, 19744731, 30108387; internal data). In at least one individual the data is consistent with being in trans (on the opposite chromosome) from a pathogenic variant. It has also been observed to segregate with disease in related individuals. ClinVar contains an entry for this variant (Variation ID: 7739). Invitae Evidence Modeling of protein sequence and biophysical properties (such as structural, functional, and spatial information, amino acid conservation, physicochemical variation, residue mobility, and thermodynamic stability) has been performed for this missense variant. However, the output from this modeling did not meet the statistical confidence thresholds required to predict the impact of this variant on CYP1B1 protein function. Experimental studies have shown that this missense change affects CYP1B1 function (PMID: 18622259, 19643970, 23028769, 27243976). This variant disrupts the p.Arg368 amino acid residue in CYP1B1. Other variant(s) that disrupt this residue have been determined to be pathogenic (internal data). This suggests that this residue is clinically significant, and that variants that disrupt this residue are likely to be disease-causing. For these reasons, this variant has been classified as Pathogenic.

PreventionGenetics, part of Exact Sciences
Classification: Uncertain significance for CYP1B1-related condition. Last evaluated: 2025-11-23. Review status: criteria provided, single submitter. Criteria: ACMG Guidelines, 2015. Collection method: clinical testing. Allele origin: germline. Not counted in ClinVar's aggregate classification.
Comment: The CYP1B1 c.1103G>A variant is predicted to result in the amino acid substitution p.Arg368His. This variant has been reported in the heterozygous and homozygous states in individuals with primary congenital glaucoma (Pasutto et al. 2010. PubMed ID: 19643970; Bejjani et al. 2000. PubMed ID: 10655546). A non-penetrant phenotype has been observed in a family homozygous for this variant (Bejjani et al. 2000. PubMed ID: 10655546). Additionally, digenic inheritance has been reported in an individual who was heterozygous for this variant and a pathogenic variant in the MYOC gene, which has also been associated with glaucoma (Vincent et al. 2002. PubMed ID: 11774072). Potential digenic inheritance has also been reported in two families who were heterozygous for the CYP1B1 c.1103G>A variant as well as a variant in the TEK gene, which has been associated with primary congenital glaucoma (Kabra et al. 2017. PubMed ID: 28620713). In functional studies, the p.Arg368His amino acid change resulted in substantially reduced estradiol and retinol metabolizing activity (Banerjee et al. 2016. PubMed ID: 27243976). Notably, other substitutions of the same amino acid (p.Arg368Cys and p.Arg368Leu) have been documented causative for glaucoma (HGMD - Human Gene Mutation Database). The CYP1B1 c.1103G>A variant has been registered in public databases with allele frequencies up to ~3%, including 13 homozygotes, which is likely too high to be consistent with highly penetrant pathogenic variant. This variant is also registered in the ClinVar database with conflicting interpretations of pathogenicity (Variation ID: 7739). At this time, the clinical significance of this variant is uncertain due to the absence of conclusive functional and genetic evidence.

CeGaT Center for Human Genetics Tuebingen
Classification: Likely benign. Last evaluated: 2025-11-01. Review status: criteria provided, single submitter. Criteria: CeGaT Center For Human Genetics Tuebingen Variant Classification Criteria Version 2. Collection method: clinical testing. Allele origin: germline. Affected: yes. Observed: 6 variant alleles. Not counted in ClinVar's aggregate classification.
Comment: CYP1B1: PS3:Moderate, BS1

First Genomix Gene Laboratory, Genetic Diagnostics Department
Classification: Likely pathogenic for Glaucoma 3A; Anterior segment dysgenesis 6. Last evaluated: 2025-08-08. Review status: criteria provided, single submitter. Criteria: ACMG Guidelines, 2015. Collection method: clinical testing. Allele origin: germline. Inheritance: Autosomal recessive inheritance. Affected: no. Observed: 1 variant allele. Not counted in ClinVar's aggregate classification.

North West Genomic Laboratory Hub, Manchester University NHS Foundation Trust
Classification: Pathogenic for Structural eye disease. Last evaluated: 2025-04-11. Review status: criteria provided, single submitter. Criteria: ACGS Best Practice Guidelines for Variant Classification in Rare Disease 2024. Collection method: clinical testing. Allele origin: germline. Affected: yes. Not counted in ClinVar's aggregate classification.
Comment: PM5_Supp PS3_Str PM3_Str PP3_Supp

Blueprint Genetics
Classification: Uncertain significance. Last evaluated: 2024-11-08. Review status: criteria provided, single submitter. Criteria: ACMG Guidelines, 2015. Collection method: clinical testing. Allele origin: germline. Not counted in ClinVar's aggregate classification.

Genomic Medicine Center of Excellence, King Faisal Specialist Hospital and Research Centre
Classification: Benign for Glaucoma 3A. Last evaluated: 2024-03-25. Review status: criteria provided, single submitter. Criteria: ACMG Guidelines, 2015. Collection method: clinical testing. Allele origin: germline. Not counted in ClinVar's aggregate classification.

3billion
Classification: Likely pathogenic for Glaucoma 3A. Last evaluated: 2023-07-27. Review status: criteria provided, single submitter. Criteria: ACMG Guidelines, 2015. Collection method: clinical testing. Allele origin: germline. Affected: yes. Not counted in ClinVar's aggregate classification.
Comment: The variant is observed as homozygous in at least two unrelated individuals/adults in the gnomAD v.2.1.1 dataset and therefore considered benign. Predicted Consequence/Location: Missense variant In silico tool predictions suggest damaging effect of the variant on gene or gene product (REVEL: 0.75; 3Cnet: 0.07). Same nucleotide change resulting in same amino acid change has been previously reported as pathogenic/likely pathogenic with strong evidence (ClinVar ID: VCV000007739 /PMID: 10655546). The variant is in trans with the other variant. Different missense changes at the same codon (p.Arg368Cys, p.Arg368Ile, p.Arg368Leu) have been reported as pathogenic/likely pathogenic with strong evidence (ClinVar ID: VCV001489392, VCV001701377 /PMID: 17591938, 18852424). Therefore, this variant is classified as Likely pathogenic according to the recommendation of ACMG/AMP guideline.

Department of Pathology and Laboratory Medicine, Sinai Health System
Classification: Likely benign for Anterior segment dysgenesis 6; Glaucoma 3A; Glaucoma 3, primary infantile, B. Last evaluated: 2023-04-03. Review status: criteria provided, single submitter. Criteria: ACMG Guidelines, 2015. Collection method: research. Allele origin: germline. Not counted in ClinVar's aggregate classification.

Baylor Genetics
Classification: Uncertain significance for Anterior segment dysgenesis 6. Last evaluated: 2022-04-14. Review status: criteria provided, single submitter. Criteria: ACMG Guidelines, 2015. Collection method: clinical testing. Allele origin: unknown. Not counted in ClinVar's aggregate classification.

Victorian Clinical Genetics Services, Murdoch Childrens Research Institute
Classification: Uncertain significance for Glaucoma 3A. Last evaluated: 2021-05-06. Review status: criteria provided, single submitter. Criteria: ACMG Guidelines, 2015. Collection method: clinical testing. Allele origin: germline. Inheritance: Autosomal recessive inheritance. Not counted in ClinVar's aggregate classification.
Comment: Based on the classification scheme VCGS_Germline_v1.3.4, this variant is classified as a VUS-3B. Following criteria are met: 0102 - Loss of function is a known mechanism of disease in this gene and is associated with congenital, juvenile, or adult onset primary open anglet glaucoma 3A (MIM#231300) and anterior segment dysgenesis 6, multiple subtypes (MIM#617315). (I) 0106 - This gene is associated with autosomal recessive disease. (I) 0112 - The condition associated with this gene has incomplete penetrance (PMID: 29556725). (I) 0200 - Variant is predicted to result in a missense amino acid change from arginine to histidine. (I) 0252 - This variant is homozygous. (I) 0306 - Variant is present in gnomAD (v2) >=0.03 and <0.05 for a recessive condition (1442 heterozygotes, 13 homozygotes). (SB) 0309 - An alternative amino acid change at the same position has been observed in gnomAD (v3) (31 heterozygotes, 0 homozygotes). (I) 0501 - Missense variant consistently predicted to be damaging by multiple in silico tools or highly conserved with a major amino acid change. (SP) 0604 - Variant is not located in an established domain, motif, hotspot or informative constraint region. (I) 0702 - Other missense variants comparable to the one identified in this case have strong previous evidence for pathogenicity. These alternative missense changes (p.Arg368Cys, p.Arg368Leu) have been reported in several homozygous individuals with congenital glaucoma (PMID: 29142762, PMID: 25580891, PMID: 17591938, PMID: 18852424, PMID: 26997785). (SP) 0808 - Previous reports of pathogenicity for this variant are conflicting. This variant has been classified once a likely benign, and more commonly as either a VUS or as pathogenic with incomplete penetrance. It has been reported in many homozygous and compound heterozygous individuals with various eye disorders, where publications recognise it as one of the most common variants in Iranian populations (ClinVar, LOVD, PMID: 32510024). However, a recent study observed the variant more commonly in a control cohort than in affected individuals, and concluded it’s unlikely to be disease causing (PMID: 29556725). (I) 1002 - This variant has moderate functional evidence supporting abnormal protein function. Transfected HEK293 cells have been demonstrated to have significantly reduced retinol and steroid enzyme activity and protein expression (PMID: 27243976, PMID: 19643970). (SP) 1208 - Inheritance information for this variant is not currently available in this individual. (I) Legend: (SP) - Supporting pathogenic, (I) - Information, (SB) - Supporting benign